The following is an entry in ClinVar:

NM_000540.3(RYR1):c.9632A>G (p.Asn3211Ser)

Gene: RYR1 (ryanodine receptor 1; plus strand). Cytogenetic location: 19q13.2.
Variant type: single nucleotide variant.
Coding change: c.9632A>G on transcript NM_000540.3 (MANE Select); coding-DNA position 9632, A replaced by G.
Protein change: p.Asn3211Ser; replaces asparagine 3211 with serine.
Molecular consequence: missense variant.
Genome position (GRCh38, 1-based): chr19:38,516,164, A>G. VCF-style: chr19-38516164-A-G. GRCh37 (hg19) VCF-style: chr19-39006804-A-G.
Other names: c.9632A>G, p.Asn3211Ser (NM_001042723.2); short protein forms N3211S.
Identifiers: ClinVar variation 3073493 (VCV003073493.2), dbSNP rs1292266298, ClinGen allele CA405690441.
Genomic context (GRCh38, chr19:38,516,164, plus strand): 5'-GGGAGTGCCTGGCCCGTCTGGCAGCAGCCATGCCGGTGGCGTTCCTGGAGCCGCAGCTGA[A>G]CGAGTACAACGCCTGCTCCGTGTACACCACCAAGTCTCCGCGGGAGCGGGCCAGTAAGCT-3'
Protein context (NP_000531.2, residues 3201-3221): MPVAFLEPQL[Asn3211Ser]EYNACSVYTT

ClinVar aggregate classification (germline): Uncertain significance. Review status: criteria provided, multiple submitters, no conflicts (2 of 4 stars). 2 submissions from 2 submitters: Uncertain significance (2). Last evaluated 2023-09-17.

Conditions:
Malignant hyperthermia, susceptibility to, 1 (MHS1). Also called: Anesthesia related hyperthermia; Malignant hyperpyrexia; Fulminating hyperpyrexia; Pharmacogenic myopathy; RYR1-Related Malignant Hyperthermia Susceptibility; Malignant hyperthermia suceptibility 1. Identifiers: Orphanet 423, MedGen C2930980, MONDO:0007783, OMIM 145600.

Allele frequency attached by ClinVar (database versions not stated): gnomAD exomes below 0.00001; TOPMed below 0.00001; gnomAD 0.00001.
gnomAD v4.1: 2 of 1,561,386 alleles (0.00013%); highest among the groups gnomAD compares: Non-Finnish European, 0.00017%; no homozygotes.

Submissions (2):

All of Us Research Program, National Institutes of Health
Classification: Uncertain significance for Malignant hyperthermia, susceptibility to, 1. Last evaluated: 2023-09-17. Review status: criteria provided, single submitter. Criteria: ACMG Guidelines, 2015. Collection method: clinical testing. Allele origin: germline. Inheritance: Autosomal dominant inheritance. Observed: 1 variant allele, 1 heterozygote.
Comment: This missense variant replaces asparagine with serine at codon 3211 of the RYR1 protein. Computational prediction is inconclusive regarding the impact of this variant on protein structure and function (internally defined REVEL score threshold 0.5 < inconclusive < 0.7, PMID: 27666373). To our knowledge, functional studies have not been reported for this variant. This variant has not been reported in individuals affected with RYR1-related disorders in the literature. This variant has not been identified in the general population by the Genome Aggregation Database (gnomAD). The available evidence is insufficient to determine the role of this variant in disease conclusively. Therefore, this variant is classified as a Variant of Uncertain Significance.

This study involves interpretation of variants in research participants for the purpose of population health screening. Participant phenotype was not available at the time of variant classification. Additional details can be found in publication PMID: 35346344, PMCID: PMC8962531

Color Diagnostics, LLC DBA Color Health
Classification: Uncertain significance for Malignant hyperthermia, susceptibility to, 1. Last evaluated: 2023-09-06. Review status: criteria provided, single submitter. Criteria: ACMG Guidelines, 2015. Collection method: clinical testing. Allele origin: germline.
Comment: This missense variant replaces asparagine with serine at codon 3211 of the RYR1 protein. Computational prediction is inconclusive regarding the impact of this variant on protein structure and function. To our knowledge, functional studies have not been reported for this variant. This variant has not been reported in individuals affected with RYR1-related disorders in the literature. This variant has not been identified in the general population by the Genome Aggregation Database (gnomAD). The available evidence is insufficient to determine the role of this variant in disease conclusively. Therefore, this variant is classified as a Variant of Uncertain Significance.